The following is an entry in ClinVar:

ClinVar aggregate classification (germline): Uncertain significance (1 of 4 stars; one submission).

Allele frequency attached by ClinVar (database versions not stated): gnomAD 0.00001; TOPMed 0.00001; 1000 Genomes Project 30x 0.00016.

Submission:

Labcorp Genetics (formerly Invitae), Labcorp
Classification: Uncertain significance. Last evaluated: 2021-07-28. Review status: criteria provided, single submitter. Criteria: Invitae Variant Classification Sherloc (09022015). Collection method: clinical testing. Allele origin: germline.
Comment: This variant has not been reported in the literature in individuals affected with SIAE-related conditions. In summary, the available evidence is currently insufficient to determine the role of this variant in disease. Therefore, it has been classified as a Variant of Uncertain Significance. Experimental studies and prediction algorithms are not available or were not evaluated, and the functional significance of this variant is currently unknown. This variant is not present in population databases (ExAC no frequency). This sequence change affects the initiator methionine of the SIAE mRNA. The next in-frame methionine is located at codon 36.

NM_170601.5(SIAE):c.1A>G (p.Met1Val)

Gene: SIAE (sialic acid acetylesterase; minus strand). Cytogenetic location: 11q24.2.
Variant type: single nucleotide variant.
Coding change: c.1A>G on transcript NM_170601.5 (MANE Select); coding-DNA position 1, A replaced by G.
Protein change: p.Met1Val; changes the start codon (methionine 1).
Molecular consequence: missense variant, initiator codon variant. On other transcripts: intron variant (1).
Genome position (GRCh38, 1-based): chr11:124,673,708, T>C on the plus strand (A>G on the coding strand, the complement: SIAE is on the minus strand). VCF-style: chr11-124673708-T-C. GRCh37 (hg19) VCF-style: chr11-124543604-T-C.
Other names: c.-39+1550A>G (NM_001199922.2); short protein forms M1V.
Identifiers: ClinVar variation 1370670 (VCV001370670.6), dbSNP rs764040566, ClinGen allele CA383123457.